The following is an entry in ClinVar:

NM_000057.4(BLM):c.2377G>A (p.Val793Ile)

Gene: BLM (BLM RecQ like helicase; plus strand). Cytogenetic location: 15q26.1.
Variant type: single nucleotide variant.
Coding change: c.2377G>A on transcript NM_000057.4 (MANE Select); coding-DNA position 2377, G replaced by A.
Protein change: p.Val793Ile; replaces valine 793 with isoleucine.
Molecular consequence: missense variant.
Genome position (GRCh38, 1-based): chr15:90,769,202, G>A. VCF-style: chr15-90769202-G-A. GRCh37 (hg19) VCF-style: chr15-91312432-G-A.
Other names: c.2377G>A (NM_000057.2); c.2377G>A, p.Val793Ile (NM_001287246.2, NM_001287247.2); c.1252G>A, p.Val418Ile (NM_001287248.2); short protein forms V793I, V418I.
Identifiers: ClinVar variation 1445695 (VCV001445695.6), dbSNP rs1198070682, ClinGen allele CA393845166.
Genomic context (GRCh38, chr15:90,769,202, plus strand): 5'-AGTAACAGACTCATTTCTACTCTGGAGAATCTCTATGAGAGGAAGCTCTTGGCACGTTTT[G>A]TTATTGATGAAGCACATTGTGTCAGTCAGGTAAATACTGTTTTTTATATCCGGAAATACC-3'
Protein context (NP_000048.1, residues 783-803): LYERKLLARF[Val793Ile]IDEAHCVSQW

ClinVar aggregate classification (germline): Uncertain significance. Review status: criteria provided, multiple submitters, no conflicts (2 of 4 stars). 2 submissions from 2 submitters: Uncertain significance (2). Last evaluated 2024-09-14.

Conditions:
Bloom syndrome (BLM). Also called: Bloom-Torre-Machacek syndrome. Identifiers: Orphanet 125, MedGen C0005859, MONDO:0008876, OMIM 210900.
Hereditary cancer-predisposing syndrome. Also called: Tumor predisposition; Hereditary Cancer Syndrome; Hereditary neoplastic syndrome; Neoplastic Syndromes, Hereditary. Identifiers: Orphanet 140162, MedGen C0027672, MeSH D009386, MONDO:0015356.

Allele frequency attached by ClinVar (database versions not stated): gnomAD exomes below 0.00001.
gnomAD v4.1: 4 of 1,613,444 alleles (0.00025%); highest among the groups gnomAD compares: East Asian, 0.0089%; no homozygotes.

Submissions (2):

Labcorp Genetics (formerly Invitae), Labcorp
Classification: Uncertain significance for Bloom syndrome. Last evaluated: 2024-09-14. Review status: criteria provided, single submitter. Criteria: Invitae Variant Classification Sherloc (09022015). Collection method: clinical testing. Allele origin: germline.
Comment: This sequence change replaces valine, which is neutral and non-polar, with isoleucine, which is neutral and non-polar, at codon 793 of the BLM protein (p.Val793Ile). This variant is present in population databases (no rsID available, gnomAD 0.006%). This variant has not been reported in the literature in individuals affected with BLM-related conditions. ClinVar contains an entry for this variant (Variation ID: 1445695). Invitae Evidence Modeling of protein sequence and biophysical properties (such as structural, functional, and spatial information, amino acid conservation, physicochemical variation, residue mobility, and thermodynamic stability) indicates that this missense variant is not expected to disrupt BLM protein function with a negative predictive value of 80%. In summary, the available evidence is currently insufficient to determine the role of this variant in disease. Therefore, it has been classified as a Variant of Uncertain Significance.

Ambry Genetics
Classification: Uncertain significance for Hereditary cancer-predisposing syndrome. Last evaluated: 2024-03-06. Review status: criteria provided, single submitter. Criteria: Ambry Variant Classification Scheme 2023. Collection method: clinical testing. Allele origin: germline.
Comment: The p.V793I variant (also known as c.2377G>A), located in coding exon 10 of the BLM gene, results from a G to A substitution at nucleotide position 2377. The valine at codon 793 is replaced by isoleucine, an amino acid with highly similar properties. This amino acid position is conserved. In addition, this alteration is predicted to be tolerated by in silico analysis. Based on the available evidence, the clinical significance of this alteration remains unclear.